The following is an entry in ClinVar:

NM_000147.5(FUCA1):c.390-27T>C

Genes: FUCA1 (alpha-L-fucosidase 1; minus strand), LOC126805661 (BRD4-independent group 4 enhancer GRCh37_chr1:24191742-24192941; plus strand). Cytogenetic location: 1p36.11.
Variant type: single nucleotide variant.
Coding change: c.390-27T>C on transcript NM_000147.5 (MANE Select); 27 bases into the intron before coding-DNA position 390, T replaced by C.
Molecular consequence: intron variant.
Genome position (GRCh38, 1-based): chr1:23,865,652, A>G on the plus strand (T>C on the coding strand, the complement: FUCA1 is on the minus strand). VCF-style: chr1-23865652-A-G. GRCh37 (hg19) VCF-style: chr1-24192142-A-G.
Other names: p.?.
Identifiers: ClinVar variation 4684762 (VCV004684762.1).

ClinVar aggregate classification (germline): Likely benign (1 of 4 stars; one submission).

gnomAD v4.1: 16 of 1,614,212 alleles (0.00099%); highest among the groups gnomAD compares: East Asian, 0.0045%; no homozygotes.

Submission:

Mayo Clinic Laboratories, Mayo Clinic
Classification: Likely benign. Last evaluated: 2025-06-23. Review status: criteria provided, single submitter. Criteria: ACMG Guidelines, 2015. Collection method: clinical testing. Allele origin: germline. Observed: 1 variant allele.
Comment: BP7, PM2_supporting